The following is an entry in ClinVar:

NM_000188.3(HK1):c.570C>T (p.Asn190=)

Gene: HK1 (hexokinase 1; plus strand). Cytogenetic location: 10q22.1.
Variant type: single nucleotide variant.
Coding change: c.570C>T on transcript NM_000188.3 (MANE Select); coding-DNA position 570, C replaced by T.
Protein change: p.Asn190=; no amino-acid change (asparagine 190 retained).
Molecular consequence: synonymous variant. On other transcripts: intron variant (1).
Genome position (GRCh38, 1-based): chr10:69,368,610, C>T. VCF-style: chr10-69368610-C-T. GRCh37 (hg19) VCF-style: chr10-71128366-C-T.
Other names: p.Asn189=; c.582C>T, p.Asn194= (NM_001322364.2, NM_001358263.1, NM_033497.3 and 1 more transcripts); c.675C>T, p.Asn225= (NM_001322365.2); c.486C>T, p.Asn162= (NM_001322366.1); c.567C>T, p.Asn189= (NM_033496.3); c.534C>T, p.Asn178= (NM_033500.2); c.496-627C>T (NM_001322367.1); c.567C>T (NM_033496.2).
Identifiers: ClinVar variation 793355 (VCV000793355.10), dbSNP rs559352341, ClinGen allele CA5532366.
Genomic context (GRCh38, chr10:69,368,610, plus strand): 5'-CTGGACAAAGCGATTTAAAGCGAGCGGAGTGGAAGGAGCAGATGTGGTCAAACTGCTTAA[C>T]AAAGCCATCAAAAAGCGAGGGGTAATTTCTCCTGGGCCCTCTGCCTCAGCCATGCAGGGG-3'
Protein context (NP_000179.2, residues 180-200): VEGADVVKLL[Asn190=]KAIKKRGDYD

ClinVar aggregate classification (germline): Likely benign. Review status: criteria provided, multiple submitters, no conflicts (2 of 4 stars). 3 submissions from 3 submitters: Likely benign (3). Last evaluated 2024-11-21.

Allele frequency attached by ClinVar (database versions not stated): TOPMed below 0.00001; gnomAD 0.00001; gnomAD exomes 0.00006 and 0.00014; ExAC 0.00012; 1000 Genomes Project 30x 0.00016; 1000 Genomes Project 0.00020.
gnomAD v4.1: 95 of 1,614,042 alleles (0.0059%); highest among the groups gnomAD compares: South Asian, 0.099%; no homozygotes.

Submissions (3):

Labcorp Genetics (formerly Invitae), Labcorp
Classification: Likely benign. Last evaluated: 2024-11-21. Review status: criteria provided, single submitter. Criteria: Invitae Variant Classification Sherloc (09022015). Collection method: clinical testing. Allele origin: germline.

Mayo Clinic Laboratories, Mayo Clinic
Classification: Likely benign. Last evaluated: 2024-10-23. Review status: criteria provided, single submitter. Criteria: ACMG Guidelines, 2015. Collection method: clinical testing. Allele origin: germline. Observed: 1 variant allele.
Comment: BP4, BP7

Blueprint Genetics
Classification: Likely benign. Last evaluated: 2019-07-16. Review status: criteria provided, single submitter. Criteria: ACMG Guidelines, 2015. Collection method: clinical testing. Allele origin: germline.